The following is an entry in ClinVar:

NM_001378457.1(DMXL2):c.368A>G (p.Asn123Ser)

Gene: DMXL2 (Dmx like 2; minus strand). Cytogenetic location: 15q21.2.
Variant type: single nucleotide variant.
Coding change: c.368A>G on transcript NM_001378457.1 (MANE Select); coding-DNA position 368, A replaced by G.
Protein change: p.Asn123Ser; replaces asparagine 123 with serine.
Molecular consequence: missense variant. On other transcripts: non-coding transcript variant (2).
Genome position (GRCh38, 1-based): chr15:51,564,257, T>C on the plus strand (A>G on the coding strand, the complement: DMXL2 is on the minus strand). VCF-style: chr15-51564257-T-C. GRCh37 (hg19) VCF-style: chr15-51856454-T-C.
Other names: c.368A>G, p.Asn123Ser (NM_001174116.3, NM_001174117.3, NM_001378458.1 and 7 more transcripts); short protein forms N123S.
Identifiers: ClinVar variation 727125 (VCV000727125.28), dbSNP rs151034852, ClinGen allele CA7562844.

ClinVar aggregate classification (germline): Benign/Likely benign. Review status: criteria provided, multiple submitters, no conflicts (2 of 4 stars). 4 submissions from 4 submitters: Benign (2); Likely benign (2). Last evaluated 2026-01-26.

Allele frequency attached by ClinVar (database versions not stated): gnomAD exomes 0.00035 and 0.00101; ExAC 0.00135; gnomAD 0.00324 and 0.00344; ESP Exome Variant Server 0.00370; TOPMed 0.00370; 1000 Genomes Project 30x 0.00375; 1000 Genomes Project 0.00399.
gnomAD v4.1: 1,002 of 1,575,530 alleles (0.064%); highest among the groups gnomAD compares: African/African-American, 1.2%; 6 homozygotes.

Submissions (4):

Labcorp Genetics (formerly Invitae), Labcorp
Classification: Benign. Last evaluated: 2026-01-26. Review status: criteria provided, single submitter. Criteria: Invitae Variant Classification Sherloc (09022015). Collection method: clinical testing. Allele origin: germline.

Blueprint Genetics
Classification: Likely benign. Last evaluated: 2024-10-10. Review status: criteria provided, single submitter. Criteria: ACMG Guidelines, 2015. Collection method: clinical testing. Allele origin: germline.

CeGaT Center for Human Genetics Tuebingen
Classification: Likely benign. Last evaluated: 2024-08-01. Review status: criteria provided, single submitter. Criteria: CeGaT Center For Human Genetics Tuebingen Variant Classification Criteria Version 2. Collection method: clinical testing. Allele origin: germline. Affected: yes. Observed: 1 variant allele.
Comment: DMXL2: BS1

Breakthrough Genomics
Classification: Benign. Review status: criteria provided, single submitter. Criteria: ACMG Guidelines, 2015. Collection method: not provided. Allele origin: germline. Inheritance: Autosomal recessive inheritance. Affected: yes.